The following is an entry in ClinVar:

NM_015335.5(MED13L):c.2572G>T (p.Val858Phe)

Gene: MED13L (mediator complex subunit 13L; minus strand). Cytogenetic location: 12q24.21.
Variant type: single nucleotide variant.
Coding change: c.2572G>T on transcript NM_015335.5 (MANE Select); coding-DNA position 2572, G replaced by T.
Protein change: p.Val858Phe; replaces valine 858 with phenylalanine.
Molecular consequence: missense variant.
Genome position (GRCh38, 1-based): chr12:115,997,228, C>A on the plus strand (G>T on the coding strand, the complement: MED13L is on the minus strand). VCF-style: chr12-115997228-C-A. GRCh37 (hg19) VCF-style: chr12-116435033-C-A.
Other names: short protein forms V858F.
Identifiers: ClinVar variation 3373465 (VCV003373465.1).

ClinVar aggregate classification (germline): Uncertain significance (1 of 4 stars; one submission).

Submission:

GeneDx
Classification: Uncertain significance. Last evaluated: 2024-03-03. Review status: criteria provided, single submitter. Criteria: GeneDx Variant Classification Process June 2021. Collection method: clinical testing. Allele origin: germline. Affected: yes.
Comment: Not observed at significant frequency in large population cohorts (gnomAD); In silico analysis supports that this missense variant does not alter protein structure/function; Has not been previously published as pathogenic or benign to our knowledge